The following is an entry in ClinVar:

ClinVar aggregate classification (germline): Pathogenic/Likely pathogenic. Review status: criteria provided, multiple submitters, no conflicts (2 of 4 stars). 2 submissions from 2 submitters: Pathogenic (1); Likely pathogenic (1). Last evaluated 2026-07-18.

Conditions:
Alpha-N-acetylgalactosaminidase deficiency. Identifiers: Orphanet 3137, MedGen C5848084, MONDO:0017779.

Allele frequency attached by ClinVar (database versions not stated): gnomAD exomes below 0.00001; ExAC 0.00001.

Submissions (2):

Myriad Genetics, Inc.
Classification: Pathogenic for Alpha-N-acetylgalactosaminidase deficiency. Last evaluated: 2026-07-18. Review status: criteria provided, single submitter. Criteria: Myriad Autosomal Dominant, Autosomal Recessive and X-Linked Classification Criteria (2023). Collection method: clinical testing. Allele origin: unknown.
Comment: NM_000262.2(NAGA):c.418C>T(Q140*) is expected to be pathogenic in the context of NAGA-related disorders. This variant is predicted to lead to an abnormal or absent protein product due to the creation of a premature termination codon in NAGA, a gene where loss-of-function variants are known to be pathogenic. Please note: this variant was assessed in the context of healthy population screening.

Mayo Clinic Laboratories, Mayo Clinic
Classification: Likely pathogenic. Last evaluated: 2020-04-17. Review status: criteria provided, single submitter. Criteria: ACMG Guidelines, 2015. Collection method: clinical testing. Allele origin: germline. Observed: 1 variant allele.
Comment: PVS1, PM2

NM_000262.3(NAGA):c.418C>T (p.Gln140Ter)

Genes: NAGA (alpha-N-acetylgalactosaminidase; minus strand), LOC126863160 (CDK7 strongly-dependent group 2 enhancer GRCh37_chr22:42462918-42464117; plus strand). Cytogenetic location: 22q13.2.
Variant type: single nucleotide variant.
Coding change: c.418C>T on transcript NM_000262.3 (MANE Select); coding-DNA position 418, C replaced by T.
Protein change: p.Gln140Ter; replaces glutamine 140 with a stop codon.
Molecular consequence: nonsense.
Genome position (GRCh38, 1-based): chr22:42,067,197, G>A on the plus strand (C>T on the coding strand, the complement: NAGA is on the minus strand). VCF-style: chr22-42067197-G-A. GRCh37 (hg19) VCF-style: chr22-42463201-G-A.
Other names: c.418C>T, p.Gln140Ter (NM_001362848.1, NM_001362850.1); short protein forms Q140*.
Identifiers: ClinVar variation 1163179 (VCV001163179.6), dbSNP rs776149537, ClinGen allele CA10263829.